The following is an entry in ClinVar:

NM_000485.3(APRT):c.346G>A (p.Ala116Thr)

Gene: APRT (adenine phosphoribosyltransferase; minus strand). Cytogenetic location: 16q24.3.
Variant type: single nucleotide variant.
Coding change: c.346G>A on transcript NM_000485.3 (MANE Select); coding-DNA position 346, G replaced by A.
Protein change: p.Ala116Thr; replaces alanine 116 with threonine.
Molecular consequence: missense variant.
Genome position (GRCh38, 1-based): chr16:88,810,124, C>T on the plus strand (G>A on the coding strand, the complement: APRT is on the minus strand). VCF-style: chr16-88810124-C-T. GRCh37 (hg19) VCF-style: chr16-88876532-C-T.
Other names: c.346G>A, p.Ala116Thr (NM_001030018.2); short protein forms A116T.
Identifiers: ClinVar variation 884722 (VCV000884722.12), dbSNP rs201944035, ClinGen allele CA8234446.

ClinVar aggregate classification (germline): Conflicting classifications of pathogenicity. Review status: criteria provided, conflicting classifications (1 of 4 stars). 2 submissions from 2 submitters: Uncertain significance (1); Likely benign (1). Last evaluated 2025-09-23.

Conditions:
Adenine phosphoribosyltransferase deficiency (APRTD). Also called: Urolithiasis, dha; 2,8-dihydroxyadenine urolithiasis; APRT DEFICIENCY; NEPHROLITHIASIS, DHA. Identifiers: Orphanet 976, MedGen C0268120, MONDO:0013869, OMIM 614723.

Allele frequency attached by ClinVar (database versions not stated): gnomAD exomes 0.00005 and 0.00021; gnomAD 0.00019 and 0.00021; ExAC 0.00020; ESP Exome Variant Server 0.00023; TOPMed 0.00024; 1000 Genomes Project 0.00040; 1000 Genomes Project 30x 0.00062.
gnomAD v4.1: 163 of 1,613,250 alleles (0.01%); highest among the groups gnomAD compares: East Asian, 0.15%; 2 homozygotes.

Submissions (2):

Labcorp Genetics (formerly Invitae), Labcorp
Classification: Likely benign. Last evaluated: 2025-09-23. Review status: criteria provided, single submitter. Criteria: Invitae Variant Classification Sherloc (09022015). Collection method: clinical testing. Allele origin: germline.

Illumina Laboratory Services, Illumina
Classification: Uncertain significance for Adenine phosphoribosyltransferase deficiency. Last evaluated: 2017-04-28. Review status: criteria provided, single submitter. Criteria: ICSL Variant Classification Criteria 13 December 2019. Collection method: clinical testing. Allele origin: germline.
Comment: This variant was observed as part of a predisposition screen in an ostensibly healthy population. A literature search was performed for the gene, cDNA change, and amino acid change (where applicable). Publications were found based on this search. However, the evidence from the literature, in combination with allele frequency data from public databases where available, was not sufficient to rule this variant in or out of causing disease. Therefore, this variant is classified as a variant of unknown significance.

Literature cited by the submitters: PubMed 19435978 (cited by Illumina Laboratory Services, Illumina).